The following is an entry in ClinVar:

NM_000264.5(PTCH1):c.1120G>A (p.Glu374Lys)

Gene: PTCH1 (patched 1; minus strand). Cytogenetic location: 9q22.32.
Variant type: single nucleotide variant.
Coding change: c.1120G>A on transcript NM_000264.5 (MANE Select); coding-DNA position 1120, G replaced by A.
Protein change: p.Glu374Lys; replaces glutamic acid 374 with lysine.
Molecular consequence: missense variant. On other transcripts: non-coding transcript variant (1).
Genome position (GRCh38, 1-based): chr9:95,479,095, C>T on the plus strand (G>A on the coding strand, the complement: PTCH1 is on the minus strand). VCF-style: chr9-95479095-C-T. GRCh37 (hg19) VCF-style: chr9-98241377-C-T.
Other names: c.922G>A, p.Glu308Lys (NM_001083602.3); c.1117G>A, p.Glu373Lys (NM_001083603.3); c.667G>A, p.Glu223Lys (NM_001083604.3, NM_001083605.3, NM_001083606.3 and 1 more transcripts); c.1120G>A, p.Glu374Lys (NM_001354918.2); short protein forms E374K, E308K, E223K, E373K.
Identifiers: ClinVar variation 367675 (VCV000367675.19), dbSNP rs144323077, ClinGen allele CA5138756.

ClinVar aggregate classification (germline): Conflicting classifications of pathogenicity. Review status: criteria provided, conflicting classifications (1 of 4 stars). 5 submissions from 4 submitters: Uncertain significance (4); Likely benign (1). Last evaluated 2026-06-14.

Conditions:
PTCH1-related disorder. Also called: PTCH1-related disorders; PTCH1-related condition.
Hereditary cancer-predisposing syndrome. Also called: Hereditary neoplastic syndrome; Neoplastic Syndromes, Hereditary; Hereditary Cancer Syndrome; Tumor predisposition. Identifiers: Orphanet 140162, MedGen C0027672, MeSH D009386, MONDO:0015356.
Holoprosencephaly 7 (HPE7). Identifiers: Orphanet 2162, MedGen C1835820, MONDO:0012562, OMIM 610828.
Gorlin syndrome. Also called: Basal cell nevus syndrome; Nevoid Basal Cell Carcinoma Syndrome. Identifiers: Orphanet 377, MedGen C0004779, MONDO:0007187.

Allele frequency attached by ClinVar (database versions not stated): ExAC 0.00001; gnomAD exomes 0.00001; gnomAD 0.00002; TOPMed 0.00002; ESP Exome Variant Server 0.00008.
gnomAD v4.1: 15 of 1,613,968 alleles (0.00093%); highest among the groups gnomAD compares: African/African-American, 0.0053%; no homozygotes.

Submissions (5):

PreventionGenetics, part of Exact Sciences
Classification: Uncertain significance for PTCH1-related condition. Last evaluated: 2026-06-14. Review status: criteria provided, single submitter. Criteria: ACMG Guidelines, 2015. Collection method: clinical testing. Allele origin: germline.
Comment: The PTCH1 c.1120G>A variant is predicted to result in the amino acid substitution p.Glu374Lys. To our knowledge, this variant has not been reported in the literature. This variant is reported in 0.0018% of alleles in individuals of European (Non-Finnish) descent in gnomAD and has conflicting interpretations in ClinVar ranging from likely benign to uncertain (Variation ID: 367675). At this time, the clinical significance of this variant is uncertain due to the absence of conclusive functional and genetic evidence.

Labcorp Genetics (formerly Invitae), Labcorp
Classification: Likely benign for Gorlin syndrome. Last evaluated: 2025-12-17. Review status: criteria provided, single submitter. Criteria: Invitae Variant Classification Sherloc (09022015). Collection method: clinical testing. Allele origin: germline.

Ambry Genetics
Classification: Uncertain significance for Hereditary cancer-predisposing syndrome. Last evaluated: 2024-03-17. Review status: criteria provided, single submitter. Criteria: Ambry Variant Classification Scheme 2023. Collection method: clinical testing. Allele origin: germline.
Comment: The p.E374K variant (also known as c.1120G>A), located in coding exon 8 of the PTCH1 gene, results from a G to A substitution at nucleotide position 1120. The glutamic acid at codon 374 is replaced by lysine, an amino acid with similar properties. This amino acid position is conserved. In addition, this alteration is predicted to be deleterious by in silico analysis. Since supporting evidence is limited at this time, the clinical significance of this alteration remains unclear.

Illumina Laboratory Services, Illumina
Classification: Uncertain significance for Holoprosencephaly 7. Last evaluated: 2018-01-13. Review status: criteria provided, single submitter. Criteria: ICSL Variant Classification Criteria 13 December 2019. Collection method: clinical testing. Allele origin: germline.

Illumina Laboratory Services, Illumina
Classification: Uncertain significance for Basal cell nevus syndrome 1. Last evaluated: 2018-01-13. Review status: criteria provided, single submitter. Criteria: ICSL Variant Classification Criteria 13 December 2019. Collection method: clinical testing. Allele origin: germline.